The following is an entry in ClinVar:

NM_005609.4(PYGM):c.1708C>G (p.Arg570Gly)

Gene: PYGM (glycogen phosphorylase, muscle associated; minus strand). Cytogenetic location: 11q13.1.
Variant type: single nucleotide variant.
Coding change: c.1708C>G on transcript NM_005609.4 (MANE Select); coding-DNA position 1708, C replaced by G.
Protein change: p.Arg570Gly; replaces arginine 570 with glycine.
Molecular consequence: missense variant.
Genome position (GRCh38, 1-based): chr11:64,751,984, G>C on the plus strand (C>G on the coding strand, the complement: PYGM is on the minus strand). VCF-style: chr11-64751984-G-C. GRCh37 (hg19) VCF-style: chr11-64519456-G-C.
Other names: c.1444C>G, p.Arg482Gly (NM_001164716.1); short protein forms R482G, R570G.
Identifiers: ClinVar variation 3769225 (VCV003769225.2).

ClinVar aggregate classification (germline): Uncertain significance (1 of 4 stars; one submission).

Submission:

Women's Health and Genetics/Laboratory Corporation of America, LabCorp
Classification: Uncertain significance. Last evaluated: 2025-01-29. Review status: criteria provided, single submitter. Criteria: LabCorp Variant Classification Summary - May 2015. Collection method: clinical testing. Allele origin: germline.
Comment: Variant summary: PYGM c.1708C>G (p.Arg570Gly) results in a non-conservative amino acid change in the encoded protein sequence. Five of five in-silico tools predict a damaging effect of the variant on protein function. The variant was absent in 251478 control chromosomes (gnomAD). The available data on variant occurrences in the general population are insufficient to allow any conclusion about variant significance. To our knowledge, no occurrence of c.1708C>G in individuals affected with Glycogen Storage Disease, Type V and no experimental evidence demonstrating its impact on protein function have been reported. No submitters have cited clinical-significance assessments for this variant to ClinVar. Based on the evidence outlined above, the variant was classified as uncertain significance.